The following is an entry in ClinVar:

NM_002386.4(MC1R):c.887_888del (p.Leu296fs)

Gene: MC1R (melanocortin 1 receptor; plus strand). Cytogenetic location: 16q24.3.
Variant type: Deletion.
Coding change: c.887_888del on transcript NM_002386.4 (MANE Select); coding-DNA positions 887 to 888, 2 bases deleted (TC; older notation c.887_888delTC).
Protein change: p.Leu296fs; shifts the reading frame from leucine 296.
Molecular consequence: frameshift variant.
Genome position (GRCh38, 1-based): chr16:89,920,145-89,920,146, TC deleted; deleting any 2 consecutive bases within chr16:89,920,144-89,920,146 gives the same sequence; the c. name uses the placement nearest the transcript's 3' end. VCF-style (leftmost placement, unchanged base first): chr16-89920143-CCT-C. GRCh37 (hg19) VCF-style: chr16-89986551-CCT-C.
Other names: short protein forms L296fs.
Identifiers: ClinVar variation 2889723 (VCV002889723.3), dbSNP rs2045706903, ClinGen allele CA624455424.

ClinVar aggregate classification (germline): Uncertain significance (1 of 4 stars; one submission).

Conditions:
Melanoma, cutaneous malignant, susceptibility to, 5. Also called: Cutaneous malignant melanoma 5. Identifiers: Orphanet 618, MedGen C2751295, MONDO:0013133, OMIM 613099.

Submission:

Labcorp Genetics (formerly Invitae), Labcorp
Classification: Uncertain significance for Melanoma, cutaneous malignant, susceptibility to, 5. Last evaluated: 2023-02-04. Review status: criteria provided, single submitter. Criteria: Invitae Variant Classification Sherloc (09022015). Collection method: clinical testing. Allele origin: germline.
Comment: In summary, the available evidence is currently insufficient to determine the role of this variant in disease. Therefore, it has been classified as a Variant of Uncertain Significance. Experimental studies and prediction algorithms are not available or were not evaluated, and the functional significance of this variant is currently unknown. This variant has not been reported in the literature in individuals affected with MC1R-related conditions. This variant is not present in population databases (gnomAD no frequency). This sequence change creates a premature translational stop signal (p.Leu296Hisfs*38) in the MC1R gene. While this is not anticipated to result in nonsense mediated decay, it is expected to disrupt the last 22 amino acid(s) of the MC1R protein.